The following is an entry in ClinVar:

NM_017986.4(SLC52A1):c.453G>C (p.Gln151His)

Gene: SLC52A1 (solute carrier family 52 member 1; minus strand). Cytogenetic location: 17p13.2.
Variant type: single nucleotide variant.
Coding change: c.453G>C on transcript NM_017986.4 (MANE Select); coding-DNA position 453, G replaced by C.
Protein change: p.Gln151His; replaces glutamine 151 with histidine.
Molecular consequence: missense variant.
Genome position (GRCh38, 1-based): chr17:5,034,036, C>G on the plus strand (G>C on the coding strand, the complement: SLC52A1 is on the minus strand). VCF-style: chr17-5034036-C-G. GRCh37 (hg19) VCF-style: chr17-4937331-C-G.
Other names: c.453G>C, p.Gln151His (NM_001104577.2); c.453G>C (NM_001104577.1); short protein forms Q151H.
Identifiers: ClinVar variation 2202013 (VCV002202013.5), dbSNP rs368344539, ClinGen allele CA8319788.

ClinVar aggregate classification (germline): Uncertain significance. Review status: criteria provided, multiple submitters, no conflicts (2 of 4 stars). 2 submissions from 2 submitters: Uncertain significance (2). Last evaluated 2025-06-16.

Conditions:
Vitamin B2 deficiency. Identifiers: MedGen C0035528.

Allele frequency attached by ClinVar (database versions not stated): TOPMed 0.00001; ExAC 0.00002; gnomAD exomes 0.00003; ESP Exome Variant Server 0.00015.
gnomAD v4.1: 50 of 1,614,132 alleles (0.0031%); highest among the groups gnomAD compares: Non-Finnish European, 0.004%; no homozygotes.

Submissions (2):

Ambry Genetics
Classification: Uncertain significance. Last evaluated: 2025-06-16. Review status: criteria provided, single submitter. Criteria: Ambry Variant Classification Scheme 2023. Collection method: clinical testing. Allele origin: germline.

Labcorp Genetics (formerly Invitae), Labcorp
Classification: Uncertain significance for Vitamin B2 deficiency. Last evaluated: 2022-10-18. Review status: criteria provided, single submitter. Criteria: Invitae Variant Classification Sherloc (09022015). Collection method: clinical testing. Allele origin: germline.
Comment: In summary, the available evidence is currently insufficient to determine the role of this variant in disease. Therefore, it has been classified as a Variant of Uncertain Significance. This sequence change replaces glutamine, which is neutral and polar, with histidine, which is basic and polar, at codon 151 of the SLC52A1 protein (p.Gln151His). This variant is present in population databases (rs368344539, gnomAD 0.005%). This variant has not been reported in the literature in individuals affected with SLC52A1-related conditions. Advanced modeling of protein sequence and biophysical properties (such as structural, functional, and spatial information, amino acid conservation, physicochemical variation, residue mobility, and thermodynamic stability) performed at Invitae indicates that this missense variant is expected to disrupt SLC52A1 protein function.